The following is an entry in ClinVar:

ClinVar aggregate classification (germline): Pathogenic (1 of 4 stars; one submission).

Conditions:
PRPH2-related disorder. Also called: PRPH2-related condition; PRPH2-related disorders. Identifiers: MedGen CN239395.

Submission:

Labcorp Genetics (formerly Invitae), Labcorp
Classification: Pathogenic for PRPH2-related disorder. Last evaluated: 2022-07-06. Review status: criteria provided, single submitter. Criteria: Invitae Variant Classification Sherloc (09022015). Collection method: clinical testing. Allele origin: germline.
Comment: Variants that disrupt the consensus splice site are a relatively common cause of aberrant splicing (PMID: 17576681, 9536098). Algorithms developed to predict the effect of sequence changes on RNA splicing suggest that this variant may disrupt the consensus splice site. ClinVar contains an entry for this variant (Variation ID: 1069629). This variant has not been reported in the literature in individuals affected with PRPH2-related conditions. This variant is not present in population databases (gnomAD no frequency). This variant results in the deletion of part of exon 2 (c.810_828+9del) of the PRPH2 gene. While this variant is not anticipated to result in nonsense mediated decay, it likely alters RNA splicing and results in a disrupted protein product. This variant disrupts a region of the PRPH2 protein in which other variant(s) (p.Leu271del) have been determined to be pathogenic (PMID: 18310263; Invitae). This suggests that this is a clinically significant region of the protein, and that variants that disrupt it are likely to be disease-causing. For these reasons, this variant has been classified as Pathogenic.

Literature cited by the submitters: PubMed 17576681; PubMed 9536098; PubMed 18310263.

NM_000322.5(PRPH2):c.810_828+9del

Gene: PRPH2 (peripherin 2; minus strand). Cytogenetic location: 6p21.1.
Variant type: Deletion.
Coding change: c.810_828+9del on transcript NM_000322.5 (MANE Select); coding-DNA position 810 through 9 bases into the intron after coding-DNA position 828, 28 bases deleted (CCTCATTTGGCTCTTCGAGGTAGGCCCT).
Molecular consequence: splice donor variant.
Genome position (GRCh38, 1-based): chr6:42,704,356-42,704,383, AGGGCCTACCTCGAAGAGCCAAATGAGG deleted on the plus strand (CCTCATTTGGCTCTTCGAGGTAGGCCCT on the coding strand, the reverse complement: PRPH2 is on the minus strand); deleting any 28 consecutive bases within chr6:42,704,356-42,704,385 gives the same sequence; the c. name uses the placement nearest the transcript's 3' end. VCF-style (leftmost placement, unchanged base first): chr6-42704355-CAGGGCCTACCTCGAAGAGCCAAATGAGG-C. GRCh37 (hg19) VCF-style: chr6-42672093-CAGGGCCTACCTCGAAGAGCCAAATGAGG-C.
Identifiers: ClinVar variation 1069629 (VCV001069629.7), dbSNP rs2152005174, ClinGen allele CA2499218264.